The following is an entry in ClinVar:

NM_022552.5(DNMT3A):c.1345G>A (p.Ala449Thr)

Gene: DNMT3A (DNA methyltransferase 3 alpha; minus strand). Cytogenetic location: 2p23.3.
Variant type: single nucleotide variant.
Coding change: c.1345G>A on transcript NM_022552.5 (MANE Select); coding-DNA position 1345, G replaced by A.
Protein change: p.Ala449Thr; replaces alanine 449 with threonine.
Molecular consequence: missense variant. On other transcripts: non-coding transcript variant (1).
Genome position (GRCh38, 1-based): chr2:25,246,244, C>T on the plus strand (G>A on the coding strand, the complement: DNMT3A is on the minus strand). VCF-style: chr2-25246244-C-T. GRCh37 (hg19) VCF-style: chr2-25469113-C-T.
Other names: c.889G>A, p.Ala297Thr (NM_001320893.1); c.676G>A, p.Ala226Thr (NM_001375819.1); c.778G>A, p.Ala260Thr (NM_153759.3); c.1345G>A, p.Ala449Thr (NM_175629.2); short protein forms A226T, A260T, A297T, A449T.
Identifiers: ClinVar variation 992734 (VCV000992734.5), dbSNP rs745406398, ClinGen allele CA1556061.
Genomic context (GRCh38, chr2:25,246,244, plus strand): 5'-CCTTGACCTTGGGCTTCTCCGCTGTGCTCTTCCGGGGCTTTTTGGCTGGTGGAGGTGGTG[C>T]GTAGGCAGCTGCCTCAGGTTCCACCCACATGTCCGTGTACACTTCTTTGTAGGGATTCTT-3'
Protein context (NP_072046.2, residues 439-459): MWVEPEAAAY[Ala449Thr]PPPPAKKPRK

ClinVar aggregate classification (germline): Uncertain significance. Review status: criteria provided, multiple submitters, no conflicts (2 of 4 stars). 2 submissions from 2 submitters: Uncertain significance (2). Last evaluated 2025-06-11.

Conditions:
Tatton-Brown-Rahman overgrowth syndrome. Also called: Tatton-Brown-Rahman syndrome; Tall stature-intellectual disability-facial dysmorphism syndrome. Identifiers: Orphanet 404443, MedGen C4014545, MONDO:0014382, OMIM 615879.

Allele frequency attached by ClinVar (database versions not stated): gnomAD 0.00001; gnomAD exomes 0.00001; TOPMed 0.00001; ExAC 0.00002.
gnomAD v4.1: 15 of 1,613,970 alleles (0.00093%); highest among the groups gnomAD compares: South Asian, 0.012%; no homozygotes.

Submissions (2):

Labcorp Genetics (formerly Invitae), Labcorp
Classification: Uncertain significance for Tatton-Brown-Rahman overgrowth syndrome. Last evaluated: 2025-06-11. Review status: criteria provided, single submitter. Criteria: Invitae Variant Classification Sherloc (09022015). Collection method: clinical testing. Allele origin: germline.
Comment: This sequence change replaces alanine, which is neutral and non-polar, with threonine, which is neutral and polar, at codon 449 of the DNMT3A protein (p.Ala449Thr). This variant is present in population databases (rs745406398, gnomAD 0.01%). This variant has not been reported in the literature in individuals affected with DNMT3A-related conditions. ClinVar contains an entry for this variant (Variation ID: 992734). Invitae Evidence Modeling of protein sequence and biophysical properties (such as structural, functional, and spatial information, amino acid conservation, physicochemical variation, residue mobility, and thermodynamic stability) indicates that this missense variant is not expected to disrupt DNMT3A protein function with a negative predictive value of 95%. In summary, the available evidence is currently insufficient to determine the role of this variant in disease. Therefore, it has been classified as a Variant of Uncertain Significance.

New York Genome Center
Classification: Uncertain significance for Tatton-Brown-Rahman overgrowth syndrome. Last evaluated: 2021-11-23. Review status: criteria provided, single submitter. Criteria: NYGC Assertion Criteria 2020. Collection method: clinical testing. Allele origin: inherited. Observed: 1 heterozygote. Study: CSER-NYCKidSeq.